The following is an entry in ClinVar:

ClinVar aggregate classification (germline): Pathogenic (1 of 4 stars; one submission).

Conditions:
Finnish congenital nephrotic syndrome (NPHS1). Also called: NEPHROTIC SYNDROME, TYPE 1. Identifiers: Orphanet 839, MedGen C0403399, MONDO:0009732, OMIM 256300.

Submission:

Myriad Genetics, Inc.
Classification: Pathogenic for Finnish congenital nephrotic syndrome. Last evaluated: 2023-09-27. Review status: criteria provided, single submitter. Criteria: Myriad Autosomal Dominant, Autosomal Recessive and X-Linked Classification Criteria (2023). Collection method: clinical testing. Allele origin: unknown.
Comment: NM_004646.3(NPHS1):c.290dupA(H97Qfs*6) is expected to be pathogenic in the context of nephrotic syndrome, NPHS1-related. This variant is predicted to lead to an abnormal or absent protein product due to the creation of a premature termination codon in NPHS1, a gene where loss-of-function variants are known to be pathogenic. Please note: this variant was assessed in the context of healthy population screening.

NM_004646.4(NPHS1):c.290dup (p.His97fs)

Gene: NPHS1 (NPHS1 adhesion molecule, nephrin; minus strand). Cytogenetic location: 19q13.12.
Variant type: Duplication.
Coding change: c.290dup on transcript NM_004646.4 (MANE Select); coding-DNA position 290, one base duplicated (A; older notation c.290dupA).
Protein change: p.His97fs; shifts the reading frame from histidine 97.
Molecular consequence: frameshift variant.
Genome position (GRCh38, 1-based): chr19:35,851,369, T duplicated on the plus strand (A on the coding strand, the reverse complement: NPHS1 is on the minus strand). VCF-style (leftmost placement, unchanged base first): chr19-35851368-G-GT. GRCh37 (hg19) VCF-style: chr19-36342270-G-GT.
Other names: short protein forms H97fs.
Identifiers: ClinVar variation 5012188 (VCV005012188.1).
Genomic context (GRCh38, chr19:35,851,368, plus strand): 5'-CTCAGAGCGGCCGACCTGGCACTCATACTCCGCGTCATCGCTGAGGTCACAGGCCTCGAT[G>GT]TGCAGGTGGAATTCACCTGCAGGGGGAGCCGGAAGTCAGGGCCGCAGCTTCCGCTGGTGG-3'